The following is an entry in ClinVar:

NM_004859.4(CLTC):c.4981G>A (p.Ala1661Thr)

Gene: CLTC (clathrin heavy chain; plus strand). Cytogenetic location: 17q23.1.
Variant type: single nucleotide variant.
Coding change: c.4981G>A on transcript NM_004859.4 (MANE Select); coding-DNA position 4981, G replaced by A.
Protein change: p.Ala1661Thr; replaces alanine 1661 with threonine.
Molecular consequence: missense variant.
Genome position (GRCh38, 1-based): chr17:59,693,805, G>A. VCF-style: chr17-59693805-G-A. GRCh37 (hg19) VCF-style: chr17-57771166-G-A.
Other names: c.4993G>A, p.Ala1665Thr (NM_001288653.2); short protein forms A1661T, A1665T.
Identifiers: ClinVar variation 2997311 (VCV002997311.4), dbSNP rs1271278136, ClinGen allele CA400425948.

ClinVar aggregate classification (germline): Uncertain significance. Review status: criteria provided, multiple submitters, no conflicts (2 of 4 stars). 2 submissions from 2 submitters: Uncertain significance (2). Last evaluated 2024-03-12.

Allele frequency attached by ClinVar (database versions not stated): TOPMed below 0.00001; gnomAD exomes 0.00001.
gnomAD v4.1: 12 of 1,613,304 alleles (0.00074%); highest among the groups gnomAD compares: Non-Finnish European, 0.001%; no homozygotes.

Submissions (2):

Labcorp Genetics (formerly Invitae), Labcorp
Classification: Uncertain significance. Last evaluated: 2024-03-12. Review status: criteria provided, single submitter. Criteria: Invitae Variant Classification Sherloc (09022015). Collection method: clinical testing. Allele origin: germline.
Comment: This sequence change replaces alanine, which is neutral and non-polar, with threonine, which is neutral and polar, at codon 1665 of the CLTC protein (p.Ala1665Thr). This variant is not present in population databases (gnomAD no frequency). This variant has not been reported in the literature in individuals affected with CLTC-related conditions. Experimental studies and prediction algorithms are not available or were not evaluated, and the functional significance of this variant is currently unknown. In summary, the available evidence is currently insufficient to determine the role of this variant in disease. Therefore, it has been classified as a Variant of Uncertain Significance.

Blueprint Genetics
Classification: Uncertain significance. Last evaluated: 2021-07-20. Review status: criteria provided, single submitter. Criteria: ACMG Guidelines, 2015. Collection method: clinical testing. Allele origin: germline.